The following is an entry in ClinVar:

NM_005732.4(RAD50):c.2468G>C (p.Arg823Pro)

Gene: RAD50 (RAD50 double strand break repair protein; plus strand). Cytogenetic location: 5q31.1.
Variant type: single nucleotide variant.
Coding change: c.2468G>C on transcript NM_005732.4 (MANE Select); coding-DNA position 2468, G replaced by C.
Protein change: p.Arg823Pro; replaces arginine 823 with proline.
Molecular consequence: missense variant.
Genome position (GRCh38, 1-based): chr5:132,603,990, G>C. VCF-style: chr5-132603990-G-C. GRCh37 (hg19) VCF-style: chr5-131939682-G-C.
Other names: short protein forms R823P.
Identifiers: ClinVar variation 577446 (VCV000577446.16), dbSNP rs572533256, ClinGen allele CA127258046.

ClinVar aggregate classification (germline): Uncertain significance. Review status: criteria provided, multiple submitters, no conflicts (2 of 4 stars). 2 submissions from 2 submitters: Uncertain significance (2). Last evaluated 2025-07-25.

Conditions:
Hereditary cancer-predisposing syndrome. Also called: Tumor predisposition; Hereditary neoplastic syndrome; Hereditary Cancer Syndrome; Neoplastic Syndromes, Hereditary. Identifiers: Orphanet 140162, MedGen C0027672, MeSH D009386, MONDO:0015356.

gnomAD v4.1: 4 of 1,613,492 alleles (0.00025%); highest among the groups gnomAD compares: Non-Finnish European, 0.00034%; no homozygotes.

Submissions (2):

Ambry Genetics
Classification: Uncertain significance for Hereditary cancer-predisposing syndrome. Last evaluated: 2025-07-25. Review status: criteria provided, single submitter. Criteria: Ambry Variant Classification Scheme 2023. Collection method: clinical testing. Allele origin: germline.
Comment: The p.R823P variant (also known as c.2468G>C), located in coding exon 15 of the RAD50 gene, results from a G to C substitution at nucleotide position 2468. The arginine at codon 823 is replaced by proline, an amino acid with dissimilar properties. This amino acid position is highly conserved in available vertebrate species. In addition, this alteration is predicted to be deleterious by in silico analysis. Since supporting evidence is limited at this time, the clinical significance of this alteration remains unclear.

Labcorp Genetics (formerly Invitae), Labcorp
Classification: Uncertain significance for Hereditary cancer-predisposing syndrome. Last evaluated: 2025-05-07. Review status: criteria provided, single submitter. Criteria: Invitae Variant Classification Sherloc (09022015). Collection method: clinical testing. Allele origin: germline.
Comment: This sequence change replaces arginine, which is basic and polar, with proline, which is neutral and non-polar, at codon 823 of the RAD50 protein (p.Arg823Pro). This variant is present in population databases (no rsID available, gnomAD 0.002%). This variant has not been reported in the literature in individuals affected with RAD50-related conditions. ClinVar contains an entry for this variant (Variation ID: 577446). Invitae Evidence Modeling of protein sequence and biophysical properties (such as structural, functional, and spatial information, amino acid conservation, physicochemical variation, residue mobility, and thermodynamic stability) indicates that this missense variant is expected to disrupt RAD50 protein function with a positive predictive value of 80%. In summary, the available evidence is currently insufficient to determine the role of this variant in disease. Therefore, it has been classified as a Variant of Uncertain Significance.